The following is an entry in ClinVar:

NM_000742.4(CHRNA2):c.1434C>A (p.Asp478Glu)

Gene: CHRNA2 (cholinergic receptor nicotinic alpha 2 subunit; minus strand). Cytogenetic location: 8p21.2.
Variant type: single nucleotide variant.
Coding change: c.1434C>A on transcript NM_000742.4 (MANE Select); coding-DNA position 1434, C replaced by A.
Protein change: p.Asp478Glu; replaces aspartic acid 478 with glutamic acid.
Molecular consequence: missense variant.
Genome position (GRCh38, 1-based): chr8:27,463,009, G>T on the plus strand (C>A on the coding strand, the complement: CHRNA2 is on the minus strand). VCF-style: chr8-27463009-G-T. GRCh37 (hg19) VCF-style: chr8-27320526-G-T.
Other names: p.D478E:GAC>GAA; c.1389C>A, p.Asp463Glu (NM_001282455.2); c.957C>A, p.Asp319Glu (NM_001347705.2, NM_001347706.2); c.840C>A, p.Asp280Glu (NM_001347707.2, NM_001347708.2); short protein forms D478E, D319E, D280E, D463E.
Identifiers: ClinVar variation 136753 (VCV000136753.88), dbSNP rs56344740, ClinGen allele CA290081.

ClinVar aggregate classification (germline): Conflicting classifications of pathogenicity. Review status: criteria provided, conflicting classifications (1 of 4 stars). 12 submissions from 12 submitters: Uncertain significance (1); Benign (5); Likely benign (5). 1 of the submissions does not count toward it. Last evaluated 2026-09-01.

Conditions:
Familial sleep-related hypermotor epilepsy. Also called: Autosomal Dominant Sleep-Related Hypermotor (Hyperkinetic) Epilepsy. Identifiers: Orphanet 98784, MedGen C3696898, MONDO:0000030.
CHRNA2-related disorder. Also called: CHRNA2-related condition.
Inborn genetic diseases. Identifiers: MedGen C0950123, MeSH D030342.
Autosomal dominant nocturnal frontal lobe epilepsy 4. Also called: EPILEPSY, FAMILIAL, WITH NOCTURNAL WANDERING AND ICTAL FEAR; CHRNA2-Related Nocturnal Frontal Lobe Epilepsy, Autosomal Dominant. Identifiers: Orphanet 98784, MedGen C1835905, MONDO:0012474, OMIM 610353.

Allele frequency attached by ClinVar (database versions not stated): 1000 Genomes Project 0.00160; 1000 Genomes Project 30x 0.00172; gnomAD exomes 0.00307; TOPMed 0.00330; ExAC 0.00338; ESP Exome Variant Server 0.00415.
gnomAD v4.1: 7,655 of 1,614,098 alleles (0.47%); highest among the groups gnomAD compares: Non-Finnish European, 0.6%; 24 homozygotes.

Submissions (12):

CeGaT Center for Human Genetics Tuebingen
Classification: Benign. Last evaluated: 2026-09-01. Review status: criteria provided, single submitter. Criteria: CeGaT Center For Human Genetics Tuebingen Variant Classification Criteria Version 2. Collection method: clinical testing. Allele origin: germline. Affected: yes. Observed: 29 variant alleles.
Comment: CHRNA2: BS1, BS2

Labcorp Genetics (formerly Invitae), Labcorp
Classification: Benign. Last evaluated: 2026-02-03. Review status: criteria provided, single submitter. Criteria: Invitae Variant Classification Sherloc (09022015). Collection method: clinical testing. Allele origin: germline.

Athena Diagnostics
Classification: Benign. Last evaluated: 2025-02-10. Review status: criteria provided, single submitter. Criteria: Athena Diagnostics Criteria. Collection method: clinical testing. Allele origin: unknown.
Comment: The frequency of this variant in the general population is higher than would generally be expected for pathogenic variants in this gene.

Blueprint Genetics
Classification: Likely benign. Last evaluated: 2024-11-23. Review status: criteria provided, single submitter. Criteria: ACMG Guidelines, 2015. Collection method: clinical testing. Allele origin: germline.

Center for Genomics, Ann and Robert H. Lurie Children's Hospital of Chicago
Classification: Uncertain significance for Autosomal dominant nocturnal frontal lobe epilepsy 4. Last evaluated: 2021-03-30. Review status: criteria provided, single submitter. Criteria: ACMG Guidelines, 2015. Collection method: clinical testing. Allele origin: germline.
Comment: CHRNA2 NM_000742 exon 6 p.Asp478Glu (c.1434C>A): This variant has not been reported in the literature but is present in 0.5% (685/126322) of European alleles, including 1 homozygote, in the Genome Aggregation Database. This variant is present in ClinVar, with several labs classifying this variant as likely benign or benign (Variation ID:136753). Evolutionary conservation and computational predictive tools suggest that this variant may not impact the protein. Functional studies predict that this variant will impact the protein (Dash 2014 PMID:24950454). However, these studies may not accurately represent human biological function. In summary, data on this variant is insufficient for disease classification. Therefore, the clinical significance of this variant is uncertain.

Institute of Human Genetics, University of Leipzig Medical Center
Classification: Likely benign for Autosomal dominant nocturnal frontal lobe epilepsy 4. Last evaluated: 2019-01-01. Review status: criteria provided, single submitter. Criteria: ACMG Guidelines, 2015. Collection method: clinical testing. Allele origin: unknown. Affected: yes.

Ambry Genetics
Classification: Likely benign for Inborn genetic diseases. Last evaluated: 2018-09-09. Review status: criteria provided, single submitter. Criteria: Ambry Variant Classification Scheme 2023. Collection method: clinical testing. Allele origin: germline.

Illumina Laboratory Services, Illumina
Classification: Benign for Autosomal dominant nocturnal frontal lobe epilepsy 4. Last evaluated: 2018-01-13. Review status: criteria provided, single submitter. Criteria: ICSL Variant Classification Criteria 13 December 2019. Collection method: clinical testing. Allele origin: germline.
Comment: This variant was observed in the ICSL laboratory as part of a predisposition screen in an ostensibly healthy population. It had not been previously curated by ICSL or reported in the Human Gene Mutation Database (HGMD: prior to June 1st, 2018), and was therefore a candidate for classification through an automated scoring system. Utilizing variant allele frequency, disease prevalence and penetrance estimates, and inheritance mode, an automated score was calculated to assess if this variant is too frequent to cause the disease. Based on the score and internal cut-off values, a variant classified as benign is not then subjected to further curation. The score for this variant resulted in a classification of benign for this disease.

Eurofins Ntd Llc (ga)
Classification: Likely benign. Last evaluated: 2017-03-13. Review status: criteria provided, single submitter. Criteria: EGL Classification Definitions 2015. Collection method: clinical testing. Allele origin: germline. Observed: 1 variant allele, 1 heterozygote.

Center for Pediatric Genomic Medicine, Children's Mercy Hospital and Clinics
Classification: Likely benign. Last evaluated: 2016-09-01. Review status: criteria provided, single submitter. Criteria: ACMG Guidelines, 2015. Collection method: clinical testing. Allele origin: germline.
ClinVar note: Converted during submission from Likely Benign to Likely benign.

GeneDx
Classification: Benign. Last evaluated: 2013-05-13. Review status: criteria provided, single submitter. Criteria: GeneDx Variant Classification (06012015). Collection method: clinical testing. Allele origin: germline. Affected: yes.
Comment: This variant is considered likely benign or benign based on one or more of the following criteria: it is a conservative change, it occurs at a poorly conserved position in the protein, it is predicted to be benign by multiple in silico algorithms, and/or has population frequency not consistent with disease.

PreventionGenetics, part of Exact Sciences
Classification: Benign for CHRNA2-related condition. Last evaluated: 2019-04-12. Review status: no assertion criteria provided. Collection method: clinical testing. Allele origin: germline. Not counted in ClinVar's aggregate classification.
Comment: This variant is classified as benign based on ACMG/AMP sequence variant interpretation guidelines (Richards et al. 2015 PMID: 25741868, with internal and published modifications).

Literature cited by the submitters: PubMed 24950454 (cited by Athena Diagnostics).